The following is an entry in ClinVar:

ClinVar aggregate classification (germline): Uncertain significance. Review status: criteria provided, multiple submitters, no conflicts (2 of 4 stars). 2 submissions from 2 submitters: Uncertain significance (2). Last evaluated 2026-06-03.

Conditions:
Hereditary cancer-predisposing syndrome. Also called: Hereditary neoplastic syndrome; Neoplastic Syndromes, Hereditary; Tumor predisposition; Hereditary Cancer Syndrome. Identifiers: Orphanet 140162, MedGen C0027672, MeSH D009386, MONDO:0015356.

Submissions (2):

Ambry Genetics
Classification: Uncertain significance for Hereditary cancer-predisposing syndrome. Last evaluated: 2026-06-03. Review status: criteria provided, single submitter. Criteria: Ambry Variant Classification Scheme 2023. Collection method: clinical testing. Allele origin: germline.
Comment: The p.W1111* variant (also known as c.3332G>A), located in coding exon 24 of the MSH3 gene, results from a G to A substitution at nucleotide position 3332. This changes the amino acid from a tryptophan to a stop codon within coding exon 24. This variant occurs at the 3' terminus of the gene, is not expected to trigger nonsense-mediated mRNAdecay, and impacts the last 2.4% of the protein. The exact functional effect of this variant is unknown. Based on the available evidence, the clinical significance of this variant remains unclear.

Labcorp Genetics (formerly Invitae), Labcorp
Classification: Uncertain significance. Last evaluated: 2020-07-19. Review status: criteria provided, single submitter. Criteria: Invitae Variant Classification Sherloc (09022015). Collection method: clinical testing. Allele origin: germline.
Comment: This sequence change results in a premature translational stop signal in the MSH3 gene (p.Trp1111*). While this is not anticipated to result in nonsense mediated decay, it is expected to disrupt the last 27 amino acids of the MSH3 protein. In summary, the available evidence is currently insufficient to determine the role of this variant in disease. Therefore, it has been classified as a Variant of Uncertain Significance. This variant has not been reported in the literature in individuals with MSH3-related conditions. This variant is not present in population databases (ExAC no frequency).

NM_002439.5(MSH3):c.3332G>A (p.Trp1111Ter)

Gene: MSH3 (mutS homolog 3; plus strand). Cytogenetic location: 5q14.1.
Variant type: single nucleotide variant.
Coding change: c.3332G>A on transcript NM_002439.5 (MANE Select); coding-DNA position 3332, G replaced by A.
Protein change: p.Trp1111Ter; replaces tryptophan 1111 with a stop codon.
Molecular consequence: nonsense.
Genome position (GRCh38, 1-based): chr5:80,875,780, G>A. VCF-style: chr5-80875780-G-A. GRCh37 (hg19) VCF-style: chr5-80171599-G-A.
Other names: c.3332G>A (NM_002439.3); short protein forms W1111*.
Identifiers: ClinVar variation 1026057 (VCV001026057.8), dbSNP rs1746297912, ClinGen allele CA360347328.